The following is an entry in ClinVar:

NM_000834.5(GRIN2B):c.1329-9A>G

Gene: GRIN2B (glutamate ionotropic receptor NMDA type subunit 2B; minus strand). Cytogenetic location: 12p13.1.
Variant type: single nucleotide variant.
Coding change: c.1329-9A>G on transcript NM_000834.5 (MANE Select); 9 bases into the intron before coding-DNA position 1329, A replaced by G.
Molecular consequence: intron variant.
Genome position (GRCh38, 1-based): chr12:13,615,673, T>C on the plus strand (A>G on the coding strand, the complement: GRIN2B is on the minus strand). VCF-style: chr12-13615673-T-C. GRCh37 (hg19) VCF-style: chr12-13768607-T-C.
Other names: c.1329-9A>G (NM_001413992.1).
Identifiers: ClinVar variation 3253276 (VCV003253276.1), dbSNP rs2497600200.
Genomic context (GRCh38, chr12:13,615,673, plus strand): 5'-GAACCCCTTGCAGCATTTTTTGATGTAACCCGGCTCCTCGTCTGTTTTATTCCTAGCCAA[T>C]TAAAGAAACAAAAACAAACAAACAAAAAAGTCTTTGTACAAAAAGCCAACATTTATTACC-3'

ClinVar aggregate classification (germline): Uncertain significance (1 of 4 stars; one submission).

Submission:

GeneDx
Classification: Uncertain significance. Last evaluated: 2023-12-15. Review status: criteria provided, single submitter. Criteria: GeneDx Variant Classification Process June 2021. Collection method: clinical testing. Allele origin: germline. Affected: yes.
Comment: Not observed at significant frequency in large population cohorts (gnomAD); In silico analysis supports a deleterious effect on splicing; Has not been previously published as pathogenic or benign to our knowledge